The following is an entry in ClinVar:

NM_016366.3(CABP2):c.245-1G>A

Gene: CABP2 (calcium binding protein 2; minus strand). Cytogenetic location: 11q13.2.
Variant type: single nucleotide variant.
Coding change: c.245-1G>A on transcript NM_016366.3 (MANE Select); the canonical splice acceptor site of the intron before coding-DNA position 245, G replaced by A.
Molecular consequence: splice acceptor variant.
Genome position (GRCh38, 1-based): chr11:67,521,160, C>T on the plus strand (G>A on the coding strand, the complement: CABP2 is on the minus strand). VCF-style: chr11-67521160-C-T. GRCh37 (hg19) VCF-style: chr11-67288631-C-T.
Other names: c.263-1G>A (NM_001318496.2).
Identifiers: ClinVar variation 4684997 (VCV004684997.1).

ClinVar aggregate classification (germline): Likely pathogenic (1 of 4 stars; one submission).

Conditions:
Monogenic hearing loss.

Submission:

Genetics Laboratory, Great Ormond Street Hospital NHS Foundation Trust, North Thames Genomic Laboratory Hub
Classification: Likely pathogenic for Monogenic hearing loss. Last evaluated: 2025-11-14. Review status: criteria provided, single submitter. Criteria: ACGS Best Practice Guidelines for Variant Classification in Rare Disease 2024 v1.2. Collection method: clinical testing. Allele origin: germline. Affected: yes.
Comment: PM2_moderate, PVS1_strong